The following is an entry in ClinVar:

NM_004204.5(PIGQ):c.946G>A (p.Val316Met)

Gene: PIGQ (phosphatidylinositol glycan anchor biosynthesis class Q; plus strand). Cytogenetic location: 16p13.3.
Variant type: single nucleotide variant.
Coding change: c.946G>A on transcript NM_004204.5 (MANE Select); coding-DNA position 946, G replaced by A.
Protein change: p.Val316Met; replaces valine 316 with methionine.
Molecular consequence: missense variant.
Genome position (GRCh38, 1-based): chr16:578,382, G>A. VCF-style: chr16-578382-G-A. GRCh37 (hg19) VCF-style: chr16-628382-G-A.
Other names: c.946G>A, p.Val316Met (NM_148920.4); short protein forms V316M.
Identifiers: ClinVar variation 852239 (VCV000852239.8), dbSNP rs1441077523, ClinGen allele CA394055360.

ClinVar aggregate classification (germline): Conflicting classifications of pathogenicity. Review status: criteria provided, conflicting classifications (1 of 4 stars). 2 submissions from 2 submitters: Uncertain significance (1); Likely benign (1). Last evaluated 2026-01-21.

Conditions:
Developmental and epileptic encephalopathy, 77. Also called: GLYCOSYLPHOSPHATIDYLINOSITOL BIOSYNTHESIS DEFECT 19; MULTIPLE CONGENITAL ANOMALIES-HYPOTONIA-SEIZURES SYNDROME 4; EPILEPTIC ENCEPHALOPATHY, EARLY INFANTILE, 77. Identifiers: MedGen C5231405, MONDO:0032808, OMIM 618548.
Epilepsy. Also called: Seizure disorder. Identifiers: MedGen C0014544, MeSH D004827, MONDO:0005027.

Allele frequency attached by ClinVar (database versions not stated): gnomAD exomes 0.00001 and 0.00002; gnomAD 0.00011; TOPMed 0.00011; 1000 Genomes Project 30x 0.00016.
gnomAD v4.1: 51 of 1,609,438 alleles (0.0032%); highest among the groups gnomAD compares: Admixed American, 0.025%; no homozygotes.

Submissions (2):

Centre for Medical Genetics,  Mumbai
Classification: Likely benign for Developmental and epileptic encephalopathy, 77. Last evaluated: 2026-01-21. Review status: criteria provided, single submitter. Criteria: ACMG Guidelines, 2015. Collection method: provider interpretation. Allele origin: germline. Inheritance: Autosomal recessive inheritance. Affected: no. Observed: 1 variant allele, 1 homozygote.
Comment: The variant satisfies PM2 criteria; Extremely low frequency in gnomAD population databases. However, the variant satisfies BS2 criteria; present in homozygous state in an individual that clinically does not have multiple congenital anomalies-hypotonia-seizures syndrome 4.

Labcorp Genetics (formerly Invitae), Labcorp
Classification: Uncertain significance for Epilepsy. Last evaluated: 2022-07-05. Review status: criteria provided, single submitter. Criteria: Invitae Variant Classification Sherloc (09022015). Collection method: clinical testing. Allele origin: germline.
Comment: This sequence change replaces valine, which is neutral and non-polar, with methionine, which is neutral and non-polar, at codon 316 of the PIGQ protein (p.Val316Met). This variant is present in population databases (no rsID available, gnomAD 0.009%). This variant has not been reported in the literature in individuals affected with PIGQ-related conditions. ClinVar contains an entry for this variant (Variation ID: 852239). Algorithms developed to predict the effect of missense changes on protein structure and function are either unavailable or do not agree on the potential impact of this missense change (SIFT: "Deleterious"; PolyPhen-2: "Possibly Damaging"; Align-GVGD: "Class C0"). In summary, the available evidence is currently insufficient to determine the role of this variant in disease. Therefore, it has been classified as a Variant of Uncertain Significance.

Literature cited by the submitters: PubMed 24463883 (cited by Centre for Medical Genetics,  Mumbai).